The following is an entry in ClinVar:

NM_032242.4(PLXNA1):c.2201A>G (p.Gln734Arg)

Gene: PLXNA1 (plexin A1; plus strand). Cytogenetic location: 3q21.3.
Variant type: single nucleotide variant.
Coding change: c.2201A>G on transcript NM_032242.4 (MANE Select); coding-DNA position 2201, A replaced by G.
Protein change: p.Gln734Arg; replaces glutamine 734 with arginine.
Molecular consequence: missense variant.
Genome position (GRCh38, 1-based): chr3:127,012,046, A>G. VCF-style: chr3-127012046-A-G. GRCh37 (hg19) VCF-style: chr3-126730889-A-G.
Other names: short protein forms Q734R.
Identifiers: ClinVar variation 3349719 (VCV003349719.1).

ClinVar aggregate classification (germline): Uncertain significance (0 of 4 stars; one submission).

Conditions:
PLXNA1-related disorder. Also called: PLXNA1-related condition.

Submission:

PreventionGenetics, part of Exact Sciences
Classification: Uncertain significance for PLXNA1-related condition. Last evaluated: 2024-02-08. Review status: no assertion criteria provided. Collection method: clinical testing. Allele origin: germline.
Comment: The PLXNA1 c.2201A>G variant is predicted to result in the amino acid substitution p.Gln734Arg. To our knowledge, this variant has not been reported in the literature or in a large population database, indicating this variant is rare. At this time, the clinical significance of this variant is uncertain due to the absence of conclusive functional and genetic evidence.